The following is an entry in ClinVar:

NM_000551.4(VHL):c.550C>G (p.Leu184Val)

Genes: VHL (von Hippel-Lindau tumor suppressor; plus strand), LOC107303340 (3p25 von Hippel-Lindau tumor suppressor, E3 ubiquitin protein ligase Alu-mediated recombination region; plus strand). Cytogenetic location: 3p25.3.
Variant type: single nucleotide variant.
Coding change: c.550C>G on transcript NM_000551.4 (MANE Select); coding-DNA position 550, C replaced by G.
Protein change: p.Leu184Val; replaces leucine 184 with valine.
Molecular consequence: missense variant. On other transcripts: 3 prime UTR variant (1).
Genome position (GRCh38, 1-based): chr3:10,149,873, C>G. VCF-style: chr3-10149873-C-G. GRCh37 (hg19) VCF-style: chr3-10191557-C-G.
Other names: c.*104C>G (NM_001354723.2); c.427C>G, p.Leu143Val (NM_198156.3); short protein forms L184V, L143V.
Identifiers: ClinVar variation 1041670 (VCV001041670.11), dbSNP rs1696361913, ClinGen allele CA351756347.
Genomic context (GRCh38, chr3:10,149,873, plus strand): 5'-CAGGTTGTCCGGAGCCTAGTCAAGCCTGAGAATTACAGGAGACTGGACATCGTCAGGTCG[C>G]TCTACGAAGATCTGGAAGACCACCCAAATGTGCAGAAAGACCTGGAGCGGCTGACACAGG-3'
Protein context (NP_000542.1, residues 174-194): NYRRLDIVRS[Leu184Val]YEDLEDHPNV

ClinVar aggregate classification (germline): Uncertain significance (1 of 4 stars; one submission).

Conditions:
Von Hippel-Lindau syndrome (VHLS). Also called: Von Hippel-Lindau; von Hippel–Lindau syndrome; VHL syndrome. Identifiers: Orphanet 892, MedGen C0019562, MONDO:0008667, OMIM 193300. Disease mechanism: loss of function.
Chuvash polycythemia. Also called: POLYCYTHEMIA, VHL-DEPENDENT. Identifiers: Orphanet 238557, MedGen C1837915, MONDO:0009892, OMIM 263400.

Submission:

Labcorp Genetics (formerly Invitae), Labcorp
Classification: Uncertain significance for Von Hippel-Lindau syndrome; Chuvash polycythemia. Last evaluated: 2020-01-20. Review status: criteria provided, single submitter. Criteria: Invitae Variant Classification Sherloc (09022015). Collection method: clinical testing. Allele origin: germline.
Comment: This sequence change replaces leucine with valine at codon 184 of the VHL protein (p.Leu184Val). The leucine residue is highly conserved and there is a small physicochemical difference between leucine and valine. This variant is not present in population databases (ExAC no frequency). This variant has not been reported in the literature in individuals with VHL-related conditions. Algorithms developed to predict the effect of missense changes on protein structure and function are either unavailable or do not agree on the potential impact of this missense change (SIFT: "Deleterious"; PolyPhen-2: "Probably Damaging"; Align-GVGD: "Class C0"). Algorithms developed to predict the effect of sequence changes on RNA splicing suggest that this variant may create or strengthen a splice site, but this prediction has not been confirmed by published transcriptional studies. In summary, the available evidence is currently insufficient to determine the role of this variant in disease. Therefore, it has been classified as a Variant of Uncertain Significance.